The following is an entry in ClinVar:

ClinVar aggregate classification (germline): Pathogenic (1 of 4 stars; one submission).

Conditions:
Nemaline myopathy 2 (NEM2). Also called: Nemaline myopathy 2, autosomal recessive. Identifiers: MedGen C1850569, MONDO:0009725, OMIM 256030.

Submission:

Myriad Genetics, Inc.
Classification: Pathogenic for Nemaline myopathy 2. Last evaluated: 2023-09-12. Review status: criteria provided, single submitter. Criteria: Myriad Autosomal Dominant, Autosomal Recessive and X-Linked Classification Criteria (2023). Collection method: clinical testing. Allele origin: unknown.
Comment: NM_001271208.1(NEB):c.8135_8136ins8(N2713Gfs*9) is expected to be pathogenic in the context of NEB-related nemaline myopathy. This variant is predicted to lead to an abnormal or absent protein product due to the creation of a premature termination codon in NEB, a gene where loss-of-function variants are known to be pathogenic. Please note: this variant was assessed in the context of healthy population screening.

NM_001164508.2(NEB):c.8135_8136insGGGCCAAG (p.Asn2713fs)

Gene: NEB (nebulin; minus strand). Cytogenetic location: 2q23.3.
Variant type: Insertion.
Coding change: c.8135_8136insGGGCCAAG on transcript NM_001164508.2 (MANE Select); coding-DNA positions 8135 to 8136, GGGCCAAG inserted.
Protein change: p.Asn2713fs; shifts the reading frame from asparagine 2713.
Molecular consequence: frameshift variant.
Genome position: GRCh38 VCF-style: chr2-151643174-T-TCTTGGCCC. GRCh37 (hg19) VCF-style: chr2-152499688-T-TCTTGGCCC.
Other names: c.8135_8136insGGGCCAAG, p.Asn2713fs (NM_001164507.2, NM_001271208.2, NM_004543.5); short protein forms N2713fs.
Identifiers: ClinVar variation 5011649 (VCV005011649.1).